The following is an entry in ClinVar:

NM_018136.5(ASPM):c.3176T>G (p.Ile1059Ser)

Gene: ASPM (assembly factor for spindle microtubules; minus strand). Cytogenetic location: 1q31.3.
Variant type: single nucleotide variant.
Coding change: c.3176T>G on transcript NM_018136.5 (MANE Select); coding-DNA position 3176, T replaced by G.
Protein change: p.Ile1059Ser; replaces isoleucine 1059 with serine.
Molecular consequence: missense variant.
Genome position (GRCh38, 1-based): chr1:197,124,324, A>C on the plus strand (T>G on the coding strand, the complement: ASPM is on the minus strand). VCF-style: chr1-197124324-A-C. GRCh37 (hg19) VCF-style: chr1-197093454-A-C.
Other names: c.3176T>G, p.Ile1059Ser (NM_001206846.2); short protein forms I1059S.
Identifiers: ClinVar variation 1923707 (VCV001923707.4), dbSNP rs2527352478, ClinGen allele CA344043107.

ClinVar aggregate classification (germline): Uncertain significance (1 of 4 stars; one submission).

Allele frequency attached by ClinVar (database versions not stated): gnomAD exomes below 0.00001.
gnomAD v4.1: 1 of 1,563,248 alleles (0.000064%); highest among the groups gnomAD compares: Non-Finnish European, 0.000088%; no homozygotes.

Submission:

Labcorp Genetics (formerly Invitae), Labcorp
Classification: Uncertain significance. Last evaluated: 2022-08-22. Review status: criteria provided, single submitter. Criteria: Invitae Variant Classification Sherloc (09022015). Collection method: clinical testing. Allele origin: germline.
Comment: In summary, the available evidence is currently insufficient to determine the role of this variant in disease. Therefore, it has been classified as a Variant of Uncertain Significance. Algorithms developed to predict the effect of missense changes on protein structure and function are either unavailable or do not agree on the potential impact of this missense change (SIFT: "Deleterious"; PolyPhen-2: "Probably Damaging"; Align-GVGD: "Class C0"). This variant has not been reported in the literature in individuals affected with ASPM-related conditions. This variant is not present in population databases (gnomAD no frequency). This sequence change replaces isoleucine, which is neutral and non-polar, with serine, which is neutral and polar, at codon 1059 of the ASPM protein (p.Ile1059Ser).